The following is an entry in ClinVar:

ClinVar aggregate classification (germline): Benign/Likely benign. Review status: criteria provided, multiple submitters, no conflicts (2 of 4 stars). 3 submissions from 3 submitters: Benign (1); Likely benign (1). 1 of the submissions does not count toward it. Last evaluated 2025-12-21.

Conditions:
TELO2-related disorder. Also called: TELO2-related condition.
Inborn genetic diseases. Identifiers: MedGen C0950123, MeSH D030342.

Allele frequency attached by ClinVar (database versions not stated): gnomAD exomes 0.00009; ExAC 0.00025; ESP Exome Variant Server 0.00093; gnomAD 0.00116; TOPMed 0.00133; 1000 Genomes Project 0.00160; 1000 Genomes Project 30x 0.00187.
gnomAD v4.1: 315 of 1,569,990 alleles (0.02%); highest among the groups gnomAD compares: African/African-American, 0.4%; no homozygotes.

Submissions (3):

Labcorp Genetics (formerly Invitae), Labcorp
Classification: Benign. Last evaluated: 2025-12-21. Review status: criteria provided, single submitter. Criteria: Invitae Variant Classification Sherloc (09022015). Collection method: clinical testing. Allele origin: germline.

Ambry Genetics
Classification: Likely benign for Inborn genetic diseases. Last evaluated: 2021-06-30. Review status: criteria provided, single submitter. Criteria: Ambry Variant Classification Scheme 2023. Collection method: clinical testing. Allele origin: germline.

PreventionGenetics, part of Exact Sciences
Classification: Likely benign for TELO2-related condition. Last evaluated: 2022-07-06. Review status: no assertion criteria provided. Collection method: clinical testing. Allele origin: germline. Not counted in ClinVar's aggregate classification.
Comment: This variant is classified as likely benign based on ACMG/AMP sequence variant interpretation guidelines (Richards et al. 2015 PMID: 25741868, with internal and published modifications).

NM_016111.4(TELO2):c.815T>C (p.Val272Ala)

Gene: TELO2 (telomere maintenance 2; plus strand). Cytogenetic location: 16p13.3.
Variant type: single nucleotide variant.
Coding change: c.815T>C on transcript NM_016111.4 (MANE Select); coding-DNA position 815, T replaced by C.
Protein change: p.Val272Ala; replaces valine 272 with alanine.
Molecular consequence: missense variant.
Genome position (GRCh38, 1-based): chr16:1,497,493, T>C. VCF-style: chr16-1497493-T-C. GRCh37 (hg19) VCF-style: chr16-1547494-T-C.
Other names: c.815T>C, p.Val272Ala (NM_001351846.2); short protein forms V272A.
Identifiers: ClinVar variation 2043830 (VCV002043830.7), dbSNP rs143641605, ClinGen allele CA7811794.
Genomic context (GRCh38, chr16:1,497,493, plus strand): 5'-GCTGGCGCCTGGTGGAGCAAGTGCCGGACCGGGCCATGGAGGCTGTGCTGACCGGGCTGG[T>C]GGAGGCCGCACTGGGGTAAGCAGCCAGGCTGTCCTCCAGCTGCACTGGCTTCTGGGGTCT-3'
Protein context (NP_057195.2, residues 262-282): RAMEAVLTGL[Val272Ala]EAALGPEVLS